The following is an entry in ClinVar:

ClinVar aggregate classification (germline): Pathogenic (1 of 4 stars; one submission).

Conditions:
Niemann-Pick disease, type C1. Also called: NIEMANN-PICK DISEASE WITHOUT SPHINGOMYELINASE DEFICIENCY; NIEMANN-PICK DISEASE, CHRONIC NEURONOPATHIC FORM; NEUROVISCERAL STORAGE DISEASE WITH VERTICAL SUPRANUCLEAR OPHTHALMOPLEGIA; NIEMANN-PICK DISEASE WITH CHOLESTEROL ESTERIFICATION BLOCK; NIEMANN-PICK DISEASE, VARIANT TYPE C1. Identifiers: Orphanet 646, MedGen C3179455, MONDO:0009757, OMIM 257220.

Allele frequency attached by ClinVar (database versions not stated): gnomAD exomes below 0.00001.

Submission:

Labcorp Genetics (formerly Invitae), Labcorp
Classification: Pathogenic for Niemann-Pick disease, type C1. Last evaluated: 2024-03-06. Review status: criteria provided, single submitter. Criteria: Invitae Variant Classification Sherloc (09022015). Collection method: clinical testing. Allele origin: germline.
Comment: This sequence change creates a premature translational stop signal (p.Lys822Ilefs*48) in the NPC1 gene. It is expected to result in an absent or disrupted protein product. Loss-of-function variants in NPC1 are known to be pathogenic (PMID: 9211850). This variant is not present in population databases (gnomAD no frequency). This premature translational stop signal has been observed in individual(s) with Niemann-Pick disease type C (PMID: 26666848). ClinVar contains an entry for this variant (Variation ID: 2152296). For these reasons, this variant has been classified as Pathogenic.

Literature cited by the submitters: PubMed 9211850; PubMed 26666848.

NM_000271.5(NPC1):c.2464_2465insT (p.Lys822fs)

Gene: NPC1 (NPC intracellular cholesterol transporter 1; minus strand). Cytogenetic location: 18q11.2.
Variant type: Insertion.
Coding change: c.2464_2465insT on transcript NM_000271.5 (MANE Select); coding-DNA positions 2464 to 2465, T inserted.
Protein change: p.Lys822fs; shifts the reading frame from lysine 822.
Molecular consequence: frameshift variant.
Genome position: GRCh38 VCF-style: chr18-23541117-T-TA. GRCh37 (hg19) VCF-style: chr18-21121081-T-TA.
Other names: short protein forms K822fs.
Identifiers: ClinVar variation 2152296 (VCV002152296.4), dbSNP rs2511221073, ClinGen allele CA2580095545.
Genomic context (GRCh38, chr18:23,541,117, plus strand): 5'-TAAGCGCATACCACAATTGGTCTCATCCAGTCCTTTAGCAGAAGTGGAGAATAGGAGTTT[T>TA]TGAAGAAGCGAAACAAACAGCTCTCTGAGGCCTGGACGCTTGTTCCATCTTCAGCACCTC-3'